The following is an entry in ClinVar:

NM_000133.4(F9):c.189A>C (p.Glu63Asp)

Gene: F9 (coagulation factor IX; plus strand). Cytogenetic location: Xq27.1.
Variant type: single nucleotide variant.
Coding change: c.189A>C on transcript NM_000133.4 (MANE Select); coding-DNA position 189, A replaced by C.
Protein change: p.Glu63Asp; replaces glutamic acid 63 with aspartic acid.
Molecular consequence: missense variant.
Genome position (GRCh38, 1-based): chrX:139,537,110, A>C. VCF-style: chrX-139537110-A-C. GRCh37 (hg19) VCF-style: chrX-138619269-A-C.
Other names: c.189A>C, p.Glu63Asp (NM_001313913.2); short protein forms E63D.
Identifiers: ClinVar variation 811403 (VCV000811403.8), dbSNP rs762447016, ClinGen allele CA414435937.

ClinVar aggregate classification (germline): Uncertain significance (1 of 4 stars; one submission).

Submission:

ARUP Laboratories, Molecular Genetics and Genomics, ARUP Laboratories
Classification: Uncertain significance. Last evaluated: 2019-04-18. Review status: criteria provided, single submitter. Criteria: ARUP Molecular Germline Variant Investigation Process. Collection method: clinical testing. Allele origin: germline.
Comment: The F9 c.189A>C; p.Glu63Asp variant, to our knowledge, is not reported in the medical literature or gene specific databases. This variant is also absent from general population databases (Exome Variant Server, Genome Aggregation Database), indicating it is not a common polymorphism. Additionally, other amino acid substitutions at this codon (Lys, Gln, Ala, Gly, Val) have been reported in individuals with moderate to severe hemophilia B and are considered pathogenic (Factor IX database, Chavali 2009, Ghanem 1993, Giannelli 1996, Tartary 1993, Yu 2012). The glutamic acid at codon 63 is highly conserved, and computational analyses (SIFT, PolyPhen-2) predict that the p.Glu63Asp variant is deleterious. However, given the lack of clinical and functional data, the significance of the p.Glu63Asp variant is uncertain at this time. References: Link to Factor IX database: Chavali S et al. Hemophilia B is a quasi-quantitative condition with certain mutations showing phenotypic plasticity. Genomics. 2009 Dec;94(6):433-7. Ghanem N et al. Twenty-four novel hemophilia B mutations revealed by rapid scanning of the whole factor IX gene in a French population sample. Eur J Hum Genet. 1993;1(2):144-55. Giannelli F Haemophilia B (sixth edition): a database of point mutations and short additions and deletions. Nucleic Acids Res. 1996 Jan 1;24(1):103-18. Tartary M et al. Detection of a molecular defect in 40 of 44 patients with haemophilia B by PCR and denaturing gradient gel electrophoresis. Br J Haematol. 1993 Aug;84(4):662-9. Yu T et al. Spectrum of F9 mutations in Chinese haemophilia B patients: identification of 20 novel mutations. Pathology. 2012 Jun;44(4):342-7.